The following is an entry in ClinVar:

NM_198465.4(NRK):c.2377A>G (p.Asn793Asp)

Gene: NRK (Nik related kinase; plus strand). Cytogenetic location: Xq22.3.
Variant type: single nucleotide variant.
Coding change: c.2377A>G on transcript NM_198465.4 (MANE Select); coding-DNA position 2377, A replaced by G.
Protein change: p.Asn793Asp; replaces asparagine 793 with aspartic acid.
Molecular consequence: missense variant.
Genome position (GRCh38, 1-based): chrX:105,915,757, A>G. VCF-style: chrX-105915757-A-G. GRCh37 (hg19) VCF-style: chrX-105159749-A-G.
Other names: c.2377A>G (NM_198465.2); short protein forms N793D.
Identifiers: ClinVar variation 3771766 (VCV003771766.14).

ClinVar aggregate classification (germline): Conflicting classifications of pathogenicity. Review status: criteria provided, conflicting classifications (1 of 4 stars). 2 submissions from 2 submitters: Uncertain significance (1); Likely benign (1). Last evaluated 2025-02-04.

gnomAD v4.1: 10 of 1,159,473 alleles (0.00086%); highest among the groups gnomAD compares: Admixed American, 0.02%; no homozygotes.

Submissions (2):

Ambry Genetics
Classification: Uncertain significance. Last evaluated: 2025-02-04. Review status: criteria provided, single submitter. Criteria: Ambry Variant Classification Scheme 2023. Collection method: clinical testing. Allele origin: germline.

CeGaT Center for Human Genetics Tuebingen
Classification: Likely benign. Last evaluated: 2025-02-01. Review status: criteria provided, single submitter. Criteria: CeGaT Center For Human Genetics Tuebingen Variant Classification Criteria Version 2. Collection method: clinical testing. Allele origin: germline. Affected: yes. Observed: 1 variant allele.
Comment: NRK: BP4